The following is an entry in ClinVar:

NM_133261.3(GIPC3):c.766G>A (p.Gly256Ser)

Gene: GIPC3 (GIPC PDZ domain containing family member 3; plus strand). Cytogenetic location: 19p13.3.
Variant type: single nucleotide variant.
Coding change: c.766G>A on transcript NM_133261.3 (MANE Select); coding-DNA position 766, G replaced by A.
Protein change: p.Gly256Ser; replaces glycine 256 with serine.
Molecular consequence: missense variant.
Genome position (GRCh38, 1-based): chr19:3,589,891, G>A. VCF-style: chr19-3589891-G-A. GRCh37 (hg19) VCF-style: chr19-3589889-G-A.
Other names: c.766G>A, p.Gly256Ser (NM_001411144.1); short protein forms G256S.
Identifiers: ClinVar variation 3601139 (VCV003601139.1).

ClinVar aggregate classification (germline): Likely pathogenic (1 of 4 stars; one submission).

Conditions:
Autosomal recessive nonsyndromic hearing loss 15. Also called: DEAFNESS, AUTOSOMAL RECESSIVE 72; DEAFNESS, AUTOSOMAL RECESSIVE 15; DEAFNESS, AUTOSOMAL RECESSIVE 95. Identifiers: Orphanet 90636, MedGen C1866094, MONDO:0011160, OMIM 601869.

Submission:

Institute of Rare Diseases, West China Hospital, Sichuan University
Classification: Likely pathogenic for Autosomal recessive nonsyndromic hearing loss 15. Last evaluated: 2025-01-09. Review status: criteria provided, single submitter. Criteria: ClinGen HL ACMG Specifications v1. Collection method: research. Allele origin: germline. Affected: yes.
Comment: PM3;PM5;PM2_Supporting;PP3